The following is an entry in ClinVar:

ClinVar aggregate classification (germline): Pathogenic. Review status: criteria provided, multiple submitters, no conflicts (2 of 4 stars). 3 submissions from 3 submitters: Pathogenic (2). 1 of the submissions does not count toward it. Last evaluated 2022-07-06.

Conditions:
SCAPER-related disorder. Also called: SCAPER-related condition.
Intellectual developmental disorder and retinitis pigmentosa; IDDRP. Also called: INTELLECTUAL DEVELOPMENTAL DISORDER AND RETINITIS PIGMENTOSA. Identifiers: MedGen C4748658, MONDO:0032594, OMIM 618195.

Submissions (3):

Blueprint Genetics
Classification: Pathogenic for SCAPER-related disorders. Last evaluated: 2022-07-06. Review status: criteria provided, single submitter. Criteria: ACMG Guidelines, 2015. Collection method: clinical testing. Allele origin: germline. Affected: yes. Observed: 1 variant allele.

GeneDx
Classification: Pathogenic. Last evaluated: 2022-07-01. Review status: criteria provided, single submitter. Criteria: GeneDx Variant Classification Process June 2021. Collection method: clinical testing. Allele origin: germline. Affected: yes.
Comment: Frameshift variant predicted to result in protein truncation or nonsense mediated decay in a gene for which loss of function is a known mechanism of disease; Not observed at significant frequency in large population cohorts (gnomAD); This variant is associated with the following publications: (PMID: 31192531)

New Leaf Center
Classification: Likely pathogenic for Intellectual developmental disorder and retinitis pigmentosa; IDDRP. Last evaluated: 2019-04-30. Review status: no assertion criteria provided. Collection method: clinical testing. Allele origin: germline. Inheritance: Autosomal recessive inheritance. Affected: yes. Observed: 2 homozygotes. Clinical features observed: Intellectual disability, moderate, Hyperactivity, Overweight, Proximal placement of thumb, Short 5th finger, Pes planus, Frontal bossing, Almond-shaped eyes, Inverted nipples, Intellectual disability, mild, Failure to thrive. Segregation with disease observed. Not counted in ClinVar's aggregate classification.
Comment: Ohio Amish founder variant

NM_020843.4(SCAPER):c.2236dup (p.Ile746fs)

Gene: SCAPER (S-phase cyclin A associated protein in the ER; minus strand). Cytogenetic location: 15q24.3.
Variant type: Duplication.
Coding change: c.2236dup on transcript NM_020843.4 (MANE Select); coding-DNA position 2236, one base duplicated (A; older notation c.2236dupA).
Protein change: p.Ile746fs; shifts the reading frame from isoleucine 746.
Molecular consequence: frameshift variant. On other transcripts: non-coding transcript variant (1).
Genome position (GRCh38, 1-based): chr15:76,705,914, T duplicated on the plus strand (A on the coding strand, the reverse complement: SCAPER is on the minus strand); the first of 7 consecutive T bases (chr15:76,705,914-76,705,920); duplicating any one gives the same sequence. VCF-style (leftmost placement, unchanged base first): chr15-76705913-A-AT. GRCh37 (hg19) VCF-style: chr15-76998254-A-AT.
Other names: c.1498dup, p.Ile500fs (NM_001145923.2); c.2254dup, p.Ile752fs (NM_001353009.2); c.1834dup, p.Ile612fs (NM_001353010.2, NM_001353012.2); c.1852dup, p.Ile618fs (NM_001353011.2); short protein forms I612fs, I618fs, I752fs, I500fs, I746fs.
Identifiers: ClinVar variation 800544 (VCV000800544.3), dbSNP rs1462082548, ClinGen allele CA619326734.
Genomic context (GRCh38, chr15:76,705,913, plus strand): 5'-CTCCACTGTAAGCTCTAAAATTTCAAATTAAAAATATATAATATCCTTACCTTGAGCTGA[A>AT]TTTTTTTCTGTAACTCTTCCATAGCTTCTTGTTGAGCAGCTGTGAGTGCTGCCAATCGTT-3'